The following is an entry in ClinVar:

NM_005629.4(SLC6A8):c.597C>A (p.Thr199=)

Gene: SLC6A8 (solute carrier family 6 member 8; plus strand). Cytogenetic location: Xq28.
Variant type: single nucleotide variant.
Coding change: c.597C>A on transcript NM_005629.4 (MANE Select); coding-DNA position 597, C replaced by A.
Protein change: p.Thr199=; no amino-acid change (threonine 199 retained).
Molecular consequence: synonymous variant.
Genome position (GRCh38, 1-based): chrX:153,691,506, C>A. VCF-style: chrX-153691506-C-A. GRCh37 (hg19) VCF-style: chrX-152956961-C-A.
Other names: NC_000023.10:g.152956961C>A; c.597C>A, p.Thr199= (NM_001142805.2); c.252C>A, p.Thr84= (NM_001142806.1).
Identifiers: ClinVar variation 4476988 (VCV004476988.3).
Genomic context (GRCh38, chrX:153,691,506, plus strand): 5'-CGACTGCGTGGAGATCTTCCGCCATGAAGACTGTGCCAATGCCAGCCTGGCCAACCTCAC[C>A]TGTGACCAGCTTGCTGACCGCCGGTCCCCTGTCATCGAGTTCTGGGAGTGAGTCCGGCAC-3'
Protein context (NP_005620.1, residues 189-209): DCANASLANL[Thr199=]CDQLADRRSP

ClinVar aggregate classification (germline): Likely benign (1 of 4 stars; one submission).

Submissions (2):

CeGaT Center for Human Genetics Tuebingen
Classification: Likely benign. Last evaluated: 2026-05-01. Review status: criteria provided, single submitter. Criteria: CeGaT Center For Human Genetics Tuebingen Variant Classification Criteria Version 2. Collection method: clinical testing. Allele origin: germline. Affected: yes. Observed: 1 variant allele.
Comment: SLC6A8: PM2:Supporting, BP4, BP7

Dr. Peter K. Rogan Lab, Western University
No classification provided (evidence only). Condition: Thyroid cancer, nonmedullary, 1. Review status: no classification provided. Collection method: in vitro. Allele origin: not applicable. Functional consequence: retained intron. Not counted in ClinVar's aggregate classification.